The following is an entry in ClinVar:

ClinVar aggregate classification (germline): Pathogenic/Likely pathogenic. Review status: criteria provided, multiple submitters, no conflicts (2 of 4 stars). 4 submissions from 4 submitters: Pathogenic (3); Likely pathogenic (1). Last evaluated 2025-10-21.

Conditions:
Cardiovascular phenotype. Identifiers: MedGen CN230736.
Hypertrophic cardiomyopathy 4. Also called: Familial hypertrophic cardiomyopathy 4. Identifiers: MedGen C1861862, MONDO:0007268, OMIM 115197.
Cardiomyopathy (CMYO). Also called: Cardiomyopathies. Identifiers: Orphanet 167848, MedGen C0878544, MONDO:0004994, HP:0001638. Inheritance: Various modes of inheritance.
Hypertrophic cardiomyopathy. Also called: HYPERTROPHIC MYOCARDIOPATHY. Identifiers: Orphanet 217569, MedGen C0007194, MeSH D002312, MONDO:0005045, HP:0001639.

gnomAD v4.1: 2 of 1,510,480 alleles (0.00013%); highest among the groups gnomAD compares: Admixed American, 0.0041%; no homozygotes.

Submissions (4):

Labcorp Genetics (formerly Invitae), Labcorp
Classification: Pathogenic for Hypertrophic cardiomyopathy. Last evaluated: 2025-10-21. Review status: criteria provided, single submitter. Criteria: Invitae Variant Classification Sherloc (09022015). Collection method: clinical testing. Allele origin: germline.
Comment: This sequence change affects an acceptor splice site in intron 25 of the MYBPC3 gene. It is expected to disrupt RNA splicing. Variants that disrupt the donor or acceptor splice site typically lead to a loss of protein function (PMID: 16199547), and loss-of-function variants in MYBPC3 are known to be pathogenic (PMID: 19574547). The frequency data for this variant in the population databases is considered unreliable, as metrics indicate poor data quality at this position in the gnomAD database. Disruption of this splice site has been observed in individuals with clinical features of hypertrophic cardiomyopathy and/or hypertrophic cardiomyopathy (PMID: 25351510, 34542152; internal data). ClinVar contains an entry for this variant (Variation ID: 922805). Algorithms developed to predict the effect of sequence changes on RNA splicing suggest that this variant may disrupt the consensus splice site. For these reasons, this variant has been classified as Pathogenic.

Victorian Clinical Genetics Services, Murdoch Childrens Research Institute
Classification: Pathogenic for Hypertrophic cardiomyopathy 4. Last evaluated: 2023-07-17. Review status: criteria provided, single submitter. Criteria: ACMG Guidelines, 2015. Collection method: clinical testing. Allele origin: germline. Inheritance: Autosomal dominant inheritance. Affected: yes.
Comment: Based on the classification scheme VCGS_Germline_v1.3.4, this variant is classified as Pathogenic. Following criteria are met: 0102 - Loss of function is a known mechanism of disease in this gene and is associated with hypertrophic cardiomyopathy 4 (HCM; MIM#115197). (I) 0108 - This gene is associated with both recessive and dominant disease. Dominant inheritance is frequently reported in adult onset conditions and recessive inheritance results in a more severe early onset phenotype (OMIM). (I) 0115 - Variants in this gene are known to have variable expressivity (PMID: 32841044). (I) 0211 - Canonical splice site variant without proven consequence on splicing (no functional evidence available). (SP) 0251 - This variant is heterozygous. (I) 0302 - Variant is present in gnomAD (v2) <0.001 for a dominant condition (2 heterozygotes, 0 homozygotes). However, these have dubious quality. (SP) 0505 - Abnormal splicing is predicted by in silico tools and affected nucleotide is highly conserved. (SP) 0703 - Other splice variants comparable to the one identified in this case have moderate previous evidence for pathogenicity. These changes (c.2603-1G>A, c.2603-1G>C) have been reported as pathogenic and likely pathogenic, and observed in a compound heterozygous HCM patient with neonatal death and heterozygous individuals with hypertrophic cardiomyopathy (HCM (ClinVar, PMID: 22907696). (SP) 0801 - This variant has strong previous evidence of pathogenicity in unrelated individuals. This variant has been reported as likely pathogenic and pathogenic, and observed in individuals with HCM (ClinVar, PMID: 25351510; PMID: 28771489). (SP) 1208 - Inheritance information for this variant is not currently available in this individual. (I) Legend: (SP) - Supporting pathogenic, (I) - Information, (SB) - Supporting benign

Color Diagnostics, LLC DBA Color Health
Classification: Likely pathogenic for Cardiomyopathy. Last evaluated: 2020-01-14. Review status: criteria provided, single submitter. Criteria: ACMG Guidelines, 2015. Collection method: clinical testing. Allele origin: germline.
Comment: This variant alters the canonical splice acceptor site in intron 25 of the MYBPC3 gene. Splice site prediction tools predict that this variant may abolish the native splice acceptor and create a new splice acceptor in exon 26. Although RNA study has not been performed to confirm the prediction, this variant is expected to result in an absent or disrupted protein product. This variant has been reported in two individuals affected with hypertrophic cardiomyopathy (PMID: 28771489). This variant has not been identified in the general population by the Genome Aggregation Database (gnomAD). Loss of MYBPC3 function is a known mechanism of disease. Based on the available evidence, this variant is classified as Likely Pathogenic.

Ambry Genetics
Classification: Pathogenic for Cardiovascular phenotype. Last evaluated: 2018-03-26. Review status: criteria provided, single submitter. Criteria: Ambry Variant Classification Scheme 2023. Collection method: clinical testing. Allele origin: germline.
Comment: The c.2603-2A>G intronic variant results from an A to G substitution two nucleotides upstream from coding exon 26 in the MYBPC3 gene. This alteration has been reported in hypertrophic cardiomyopathy (HCM) cohorts (Lopes LR. et al. Heart 2015 Feb;101(4):294-30; Mademont-Soler I. et al. Plos ONE Aug;12(8):e0181465). In addition to the clinical data presented in the literature, alterations that disrupt the canonical splice site are expected to cause aberrant splicing, resulting in an abnormal protein or a transcript that is subject to nonsense-mediated mRNA decay. Based on the supporting evidence, this alteration is interpreted as a disease-causing mutation..

Literature cited by the submitters: PubMed 16199547 (cited by Labcorp Genetics (formerly Invitae), Labcorp); PubMed 19574547 (cited by Labcorp Genetics (formerly Invitae), Labcorp); PubMed 25351510 (cited by Labcorp Genetics (formerly Invitae), Labcorp and Victorian Clinical Genetics Services, Murdoch Childrens Research Institute); PubMed 34542152 (cited by Labcorp Genetics (formerly Invitae), Labcorp); PubMed 22907696 (cited by Victorian Clinical Genetics Services, Murdoch Childrens Research Institute); PubMed 28771489 (cited by Victorian Clinical Genetics Services, Murdoch Childrens Research Institute and Ambry Genetics); PubMed 32841044 (cited by Victorian Clinical Genetics Services, Murdoch Childrens Research Institute).

NM_000256.3(MYBPC3):c.2603-2A>G

Gene: MYBPC3 (myosin binding protein C3; minus strand). Cytogenetic location: 11p11.2.
Variant type: single nucleotide variant.
Coding change: c.2603-2A>G on transcript NM_000256.3 (MANE Select); the canonical splice acceptor site of the intron before coding-DNA position 2603, A replaced by G.
Molecular consequence: splice acceptor variant.
Genome position (GRCh38, 1-based): chr11:47,336,013, T>C on the plus strand (A>G on the coding strand, the complement: MYBPC3 is on the minus strand). VCF-style: chr11-47336013-T-C. GRCh37 (hg19) VCF-style: chr11-47357564-T-C.
Identifiers: ClinVar variation 922805 (VCV000922805.14), dbSNP rs1419155559, ClinGen allele CA380317471.